The following continues an entry in ClinVar:

NM_000256.3(MYBPC3):c.1591G>C (p.Gly531Arg)

Gene: MYBPC3. ClinVar aggregate classification (germline): Conflicting classifications of pathogenicity. Pathogenic (4); Likely pathogenic (17); Uncertain significance (1).

Submissions 16 to 22 of 22:

Laboratory for Molecular Medicine, Mass General Brigham Personalized Medicine
Classification: Likely pathogenic for Hypertrophic cardiomyopathy. Last evaluated: 2023-07-19. Review status: criteria provided, single submitter. Criteria: ACMG Guidelines, 2015. Collection method: clinical testing. Allele origin: germline. Inheritance: Autosomal dominant inheritance.
Comment: The p.Gly531Arg variant in MYBPC3 has been reported in association with two distinct nucleotide changes: c.1591G>C and c.1591G>A. Considering both nucleotide changes, this variant has been reported in 1 individual with dilated cardiomyopathy (DCM; c.1591G>A; Waldmuller 2011 PMID: 21750094) and in over 10 individuals with hypertrophic cardiomyopathy (HCM; c.1591G>A: Girolami 2006 PMID: 16858239, Olivotto 2008 PMID: 18533079, Garcia-Castro 2009 PMID: 19150014, Michels 2011, Waldmuller 2011 PMID: 21750094, Walsh 2017 PMID: 27532257, LMM data; c.1591G>C: Millat 2010 PMID: 20624503, Olivotto 2011 PMID: 21835320, Coto 2012 PMID: 22765922, Rubattu 2016 PMID: 27483260, LMM data). Of the individuals with HCM, at least 4 individuals carried a second pathogenic MYBPC3 variant and had early onset disease (LMM data, Millat 2010 PMID: 20624503, Rubattu 2016 PMID: 27483260). Furthermore, the c.1591G>C variant was found by our laboratory to segregate with disease in 2 affected relatives from 1 family. This variant has also been reported by other clinical laboratories in ClinVar (Variation IDs: 164109 (c.1591G>A) and 42550 (c.1591G>C)). Additionally, the c.1591G>A variant has been identified in 0.01% (2/15288) of Latino and in 0.002% (1/41450) of African/African American chromosomes by gnomAD, while the c.1591G>C variant has been identified in 0.004% (3/68034) of European chromosomes in gnomAD (v.3.1.2). A functional study in which the c.1591G>C (p.Gly531Arg) variant was transfected into MYBPC3 knockout mouse cardiomyocytes alone and in combination with wild-type MYBPC3 (to represent homozygous and heterozygous disease states) revealed abnormal contractile force in both scenarios compared to wild-type (Wijnker 2016 PMID: 27108529). Computational prediction tools and conservation analysis also suggest that the variant may impact the protein. In summary, although additional studies are required to fully establish its clinical significance, this variant meets criteria to be classified as likely pathogenic for autosomal dominant HCM. ACMG/AMP Criteria applied: PS4_Moderate, PM2_Supporting, PS3_Moderate, PP3.

Institute of Human Genetics, University of Leipzig Medical Center
Classification: Pathogenic for Hypertrophic cardiomyopathy 4. Last evaluated: 2023-03-31. Review status: criteria provided, single submitter. Criteria: ACMG Guidelines, 2015. Collection method: clinical testing. Allele origin: paternal.
Comment: This variant was identified as compound heterozygous with NM_000256.3:c.1591G>C._x000D_ Criteria applied: PS1, PS4, PM2_SUP, PP3

Institute of Medical Genetics and Applied Genomics, University Hospital Tübingen
Classification: Likely pathogenic for Hypertrophic cardiomyopathy 4. Last evaluated: 2023-03-20. Review status: criteria provided, single submitter. Criteria: ACMG Guidelines, 2015. Collection method: clinical testing. Allele origin: germline. Inheritance: Autosomal unknown. Affected: yes.

CHEO Genetics Diagnostic Laboratory, Children's Hospital of Eastern Ontario
Classification: Pathogenic for Cardiomyopathy. Last evaluated: 2022-05-31. Review status: criteria provided, single submitter. Criteria: ACMG Guidelines, 2015. Collection method: clinical testing. Allele origin: germline.

Laboratory of Medical Genetics, National & Kapodistrian University of Athens
Classification: Pathogenic for Hypertrophic cardiomyopathy 4. Last evaluated: 2022-05-16. Review status: criteria provided, single submitter. Criteria: ACMG Guidelines, 2015. Collection method: clinical testing. Allele origin: germline. Affected: yes.
Comment: PS1, PM2, PM1, PP3, PP5

National Institute of Allergy and Infectious Diseases - Centralized Sequencing Program, National Institutes of Health
Classification: Likely pathogenic for Hypertrophic cardiomyopathy. Last evaluated: 2021-08-06. Review status: criteria provided, single submitter. Criteria: ACMG Guidelines, 2015. Collection method: clinical testing. Allele origin: germline. Affected: no.

Agnes Ginges Centre for Molecular Cardiology, Centenary Institute
Classification: Likely pathogenic for Hypertrophic cardiomyopathy 4. Last evaluated: 2018-02-09. Review status: criteria provided, single submitter. Criteria: ACMG Guidelines, 2015. Collection method: research. Allele origin: germline. Inheritance: Autosomal dominant inheritance. Affected: yes.
Comment: MYBPC3 Gly531Arg variant has been reported as two nucleotide changes: c.1591G>C and c.1591G>A. When considered together this variant has been identified in 1 DCM proband (Waldmuller S, et al., 2011) and more than 10 individuals with HCM and no other pathogenic variants (Girolami F, et al., 2006; Ho CY, et al., 2009; Michels M, 2011; Waldmuller S, et al., 2011; Olivotto I, et al., 2011; Coto E, et al., 2012; Bos JM, et al., 2014; Lopes LR, et al., 2015; Rubattu S, et al., 2016; Walsh R, et al., 2017; LMM, Pers. Comm.; GeneDx, Pers. Comm.) The variant has also been found to segregate with disease in at least 1 family (LMM, Pers. Comm.). We have identified the c.1591G>C in 2 HCM probands. This variant is present at a low frequency in the Genome Aggregation Database (MAF= 0.000022). In vitro functional studies show that p.Gly531Arg causes hypercontractility in engineered heart tissue (Wijnker PJ, et al., 2016). In silico tools SIFT, PolyPhen-2 and MutationTaster predict the variant to be deleterious. In summary, the variant has been reported in numerous cases, it is rare in the general population, functional studies and in silico tools predict the variant to impact protein function, therefore we classify MYBPC3 Gly531Arg as 'Likely Pathogenic'.

Literature cited by the submitters: PubMed 16858239 (cited by 7 submitters); PubMed 21835320 (cited by 7 submitters); PubMed 25524337 (cited by Women's Health and Genetics/Laboratory Corporation of America, LabCorp and Labcorp Genetics (formerly Invitae), Labcorp); PubMed 30297972 (cited by Women's Health and Genetics/Laboratory Corporation of America, LabCorp and Labcorp Genetics (formerly Invitae), Labcorp); PubMed 27483260 (cited by 8 submitters); PubMed 27108529 (cited by 9 submitters); PubMed 35208637 (cited by Women's Health and Genetics/Laboratory Corporation of America, LabCorp); PubMed 35629155 (cited by Women's Health and Genetics/Laboratory Corporation of America, LabCorp); PubMed 36252119 (cited by 4 submitters); PubMed 36291626 (cited by 4 submitters); PubMed 39260623 (cited by Women's Health and Genetics/Laboratory Corporation of America, LabCorp); PubMed 35753512 (cited by Variantyx, Inc.); PubMed 18533079 (cited by 5 submitters); PubMed 20624503 (cited by 6 submitters); PubMed 21750094 (cited by 5 submitters); PubMed 23508784 (cited by 6 submitters); PubMed 24793961 (cited by 4 submitters); PubMed 27532257 (cited by 7 submitters); PubMed 27600940 (cited by 6 submitters); PubMed 28356264 (cited by 5 submitters); PubMed 20173211 (cited by 5 submitters); PubMed 23690394 (cited by 5 submitters); PubMed 28193612 (cited by 4 submitters); PubMed 28241245 (cited by 4 submitters); PubMed 28798025 (cited by 6 submitters); PubMed 28986452 (cited by Color Diagnostics, LLC DBA Color Health and All of Us Research Program, National Institutes of Health); PubMed 31941943 (cited by 3 submitters); PubMed 32228044 (cited by Color Diagnostics, LLC DBA Color Health and All of Us Research Program, National Institutes of Health); PubMed 32369506 (cited by Color Diagnostics, LLC DBA Color Health and All of Us Research Program, National Institutes of Health); PubMed 19150014 (cited by 3 submitters); PubMed 20031602 (cited by Ambry Genetics and Agnes Ginges Centre for Molecular Cardiology, Centenary Institute); PubMed 20800588 (cited by Ambry Genetics); PubMed 27590665 (cited by Ambry Genetics); PubMed 28840316 (cited by Ambry Genetics); PubMed 32841044 (cited by Victorian Clinical Genetics Services, Murdoch Childrens Research Institute); PubMed 22765922 (cited by 3 submitters); PubMed 25351510 (cited by Mayo Clinic Laboratories, Mayo Clinic and Agnes Ginges Centre for Molecular Cardiology, Centenary Institute); PubMed 36264615 (cited by Mayo Clinic Laboratories, Mayo Clinic).